The following is an entry in ClinVar:

NM_052867.4(NALCN):c.1989G>T (p.Met663Ile)

Gene: NALCN (sodium leak channel, non-selective; minus strand). Cytogenetic location: 13q33.1.
Variant type: single nucleotide variant.
Coding change: c.1989G>T on transcript NM_052867.4 (MANE Select); coding-DNA position 1989, G replaced by T.
Protein change: p.Met663Ile; replaces methionine 663 with isoleucine.
Molecular consequence: missense variant.
Genome position (GRCh38, 1-based): chr13:101,143,209, C>A on the plus strand (G>T on the coding strand, the complement: NALCN is on the minus strand). VCF-style: chr13-101143209-C-A. GRCh37 (hg19) VCF-style: chr13-101795560-C-A.
Other names: c.1989G>T, p.Met663Ile (NM_001350748.2, NM_001350749.2); c.1902G>T, p.Met634Ile (NM_001350750.2, NM_001350751.2); short protein forms M634I, M663I.
Identifiers: ClinVar variation 2839645 (VCV002839645.3), dbSNP rs1268016415, ClinGen allele CA388671582.
Genomic context (GRCh38, chr13:101,143,209, plus strand): 5'-GGTCGGGAGGCTTCTCAGGAGGCAACATGTGTCCTGTTGCTGGCGGTCAATAAACTGCTT[C>A]ATAAAACTCTCCCTTTGCAAATGAAGTATATGTGCATCAGGCATTATTAGTGGAAGGGAG-3'
Protein context (NP_443099.1, residues 653-673): FTVPKIRESF[Met663Ile]KQFIDRQQQD

ClinVar aggregate classification (germline): Uncertain significance (1 of 4 stars; one submission).

Allele frequency attached by ClinVar (database versions not stated): gnomAD exomes 0.00001.
gnomAD v4.1: 15 of 1,608,546 alleles (0.00093%); highest among the groups gnomAD compares: South Asian, 0.017%; no homozygotes.

Submission:

Labcorp Genetics (formerly Invitae), Labcorp
Classification: Uncertain significance. Last evaluated: 2025-09-02. Review status: criteria provided, single submitter. Criteria: Invitae Variant Classification Sherloc (09022015). Collection method: clinical testing. Allele origin: germline.
Comment: This sequence change replaces methionine, which is neutral and non-polar, with isoleucine, which is neutral and non-polar, at codon 663 of the NALCN protein (p.Met663Ile). This variant is present in population databases (no rsID available, gnomAD 0.007%). This variant has not been reported in the literature in individuals affected with NALCN-related conditions. ClinVar contains an entry for this variant (Variation ID: 2839645). Invitae Evidence Modeling of protein sequence and biophysical properties (such as structural, functional, and spatial information, amino acid conservation, physicochemical variation, residue mobility, and thermodynamic stability) indicates that this missense variant is not expected to disrupt NALCN protein function with a negative predictive value of 80%. Algorithms developed to predict the effect of sequence changes on RNA splicing suggest that this variant may disrupt the consensus splice site. In summary, the available evidence is currently insufficient to determine the role of this variant in disease. Therefore, it has been classified as a Variant of Uncertain Significance.